The following is an entry in ClinVar:

ClinVar aggregate classification (germline): Uncertain significance (1 of 4 stars; one submission).

Submission:

Labcorp Genetics (formerly Invitae), Labcorp
Classification: Uncertain significance. Last evaluated: 2025-08-10. Review status: criteria provided, single submitter. Criteria: Invitae Variant Classification Sherloc (09022015). Collection method: clinical testing. Allele origin: germline.
Comment: This sequence change replaces glycine, which is neutral and non-polar, with valine, which is neutral and non-polar, at codon 15 of the PSMB4 protein (p.Gly15Val). This variant is not present in population databases (gnomAD no frequency). This variant has not been reported in the literature in individuals affected with PSMB4-related conditions. An algorithm developed to predict the effect of missense changes on protein structure and function (PolyPhen-2) suggests that this variant is likely to be disruptive. In summary, the available evidence is currently insufficient to determine the role of this variant in disease. Therefore, it has been classified as a Variant of Uncertain Significance.

NM_002796.3(PSMB4):c.44G>T (p.Gly15Val)

Gene: PSMB4 (proteasome 20S subunit beta 4; plus strand). Cytogenetic location: 1q21.3.
Variant type: single nucleotide variant.
Coding change: c.44G>T on transcript NM_002796.3 (MANE Select); coding-DNA position 44, G replaced by T.
Protein change: p.Gly15Val; replaces glycine 15 with valine.
Molecular consequence: missense variant.
Genome position (GRCh38, 1-based): chr1:151,399,631, G>T. VCF-style: chr1-151399631-G-T. GRCh37 (hg19) VCF-style: chr1-151372107-G-T.
Other names: short protein forms G15V.
Identifiers: ClinVar variation 4760390 (VCV004760390.1).
Genomic context (GRCh38, chr1:151,399,631, plus strand): 5'-CTGCTACCGTGACTAAGATGGAAGCGTTTTTGGGGTCGCGGTCCGGACTTTGGGCGGGGG[G>T]TCCGGCCCCAGGACAGTTTTACCGCATTCCGTCCACTCCCGATTCCTTCATGGATCCGGC-3'
Protein context (NP_002787.2, residues 5-25): LGSRSGLWAG[Gly15Val]PAPGQFYRIP